The following is an entry in ClinVar:

ClinVar aggregate classification (germline): Uncertain significance. Review status: criteria provided, multiple submitters, no conflicts (2 of 4 stars). 2 submissions from 2 submitters: Uncertain significance (2). Last evaluated 2024-11-26.

Conditions:
Spastic paraplegia. Identifiers: MedGen C0037772, HP:0001258.
Inborn genetic diseases. Identifiers: MedGen C0950123, MeSH D030342.

Allele frequency attached by ClinVar (database versions not stated): gnomAD exomes 0.00002 and 0.00003; TOPMed 0.00002; gnomAD 0.00004; 1000 Genomes Project 0.00020; 1000 Genomes Project 30x 0.00031.
gnomAD v4.1: 46 of 1,613,312 alleles (0.0029%); highest among the groups gnomAD compares: Middle Eastern, 0.017%; no homozygotes.

Submissions (2):

Ambry Genetics
Classification: Uncertain significance for Inborn genetic diseases. Last evaluated: 2024-11-26. Review status: criteria provided, single submitter. Criteria: Ambry Variant Classification Scheme 2023. Collection method: clinical testing. Allele origin: germline.

Labcorp Genetics (formerly Invitae), Labcorp
Classification: Uncertain significance for Spastic paraplegia. Last evaluated: 2022-08-31. Review status: criteria provided, single submitter. Criteria: Invitae Variant Classification Sherloc (09022015). Collection method: clinical testing. Allele origin: germline.
Comment: This sequence change replaces arginine, which is basic and polar, with cysteine, which is neutral and slightly polar, at codon 646 of the AP4E1 protein (p.Arg646Cys). This variant is present in population databases (rs199542290, gnomAD 0.01%). This variant has not been reported in the literature in individuals affected with AP4E1-related conditions. ClinVar contains an entry for this variant (Variation ID: 1375168). Algorithms developed to predict the effect of missense changes on protein structure and function are either unavailable or do not agree on the potential impact of this missense change (SIFT: "Deleterious"; PolyPhen-2: "Probably Damaging"; Align-GVGD: "Class C0"). In summary, the available evidence is currently insufficient to determine the role of this variant in disease. Therefore, it has been classified as a Variant of Uncertain Significance.

NM_007347.5(AP4E1):c.1936C>T (p.Arg646Cys)

Gene: AP4E1 (adaptor related protein complex 4 subunit epsilon 1; plus strand). Cytogenetic location: 15q21.2.
Variant type: single nucleotide variant.
Coding change: c.1936C>T on transcript NM_007347.5 (MANE Select); coding-DNA position 1936, C replaced by T.
Protein change: p.Arg646Cys; replaces arginine 646 with cysteine.
Molecular consequence: missense variant.
Genome position (GRCh38, 1-based): chr15:50,968,347, C>T. VCF-style: chr15-50968347-C-T. GRCh37 (hg19) VCF-style: chr15-51260544-C-T.
Other names: c.1711C>T, p.Arg571Cys (NM_001252127.2); c.1936C>T (NM_007347.3); short protein forms R571C, R646C.
Identifiers: ClinVar variation 1375168 (VCV001375168.6), dbSNP rs199542290, ClinGen allele CA270511170.
Genomic context (GRCh38, chr15:50,968,347, plus strand): 5'-GATGGTTTTGTGGCTGAAGGACTCAGTCAGGGTGCAGCGCCTTACAAACCTCCCCATCAA[C>T]GCCAGGAGGAAAAGCTTTCTCAGGAAAAAGGTAATTTTTCATGGATTTATGATAAGCTAG-3'
Protein context (NP_031373.2, residues 636-656): GAAPYKPPHQ[Arg646Cys]QEEKLSQEKV